The following is an entry in ClinVar:

ClinVar aggregate classification (germline): Uncertain significance. Review status: criteria provided, multiple submitters, no conflicts (2 of 4 stars). 5 submissions from 5 submitters: Uncertain significance (5). Last evaluated 2026-04-12.

Conditions:
Klippel-Feil syndrome 1, autosomal dominant (KFS1). Also called: CERVICAL VERTEBRAL FUSION, AUTOSOMAL DOMINANT. Identifiers: Orphanet 2345, MedGen C1861689, MONDO:0007306, OMIM 118100.
Isolated microphthalmia 4. Identifiers: Orphanet 2542, MedGen C2751307, MONDO:0013130, OMIM 613094.
Microphthalmia, isolated, with coloboma 6 (MCOPCB6). Also called: MICROPHTHALMIA/COLOBOMA 6; Microphthalmia with coloboma 6, digenic; Microphthalmia with coloboma 6. Identifiers: Orphanet 98938, MedGen C3150968, MONDO:0013376, OMIM 613703.
Multiple synostoses syndrome 4. Identifiers: MedGen C4693531, MONDO:0054752, OMIM 617898.
Leber congenital amaurosis 17 (LCA17). Identifiers: Orphanet 65, MedGen C3715164, MONDO:0014145, OMIM 615360.
Inborn genetic diseases. Identifiers: MedGen C0950123, MeSH D030342.
GDF6-related disorder. Also called: GDF6-related condition.

Allele frequency attached by ClinVar (database versions not stated): gnomAD exomes 0.00001; gnomAD 0.00003; ExAC 0.00004; TOPMed 0.00004.
gnomAD v4.1: 15 of 1,509,594 alleles (0.00099%); highest among the groups gnomAD compares: Non-Finnish European, 0.0013%; no homozygotes.

Submissions (5):

PreventionGenetics, part of Exact Sciences
Classification: Uncertain significance for GDF6-related condition. Last evaluated: 2026-04-12. Review status: criteria provided, single submitter. Criteria: ACMG Guidelines, 2015. Collection method: clinical testing. Allele origin: germline.
Comment: The GDF6 c.785G>A variant is predicted to result in the amino acid substitution p.Ser262Asn. To our knowledge, this variant has not been reported in the literature. This variant is reported in 0.0031% of alleles in individuals of European (Non-Finnish) descent in gnomAD. At this time, the clinical significance of this variant is uncertain due to the absence of conclusive functional and genetic evidence.

Ambry Genetics
Classification: Uncertain significance for Inborn genetic diseases. Last evaluated: 2025-09-01. Review status: criteria provided, single submitter. Criteria: Ambry Variant Classification Scheme 2023. Collection method: clinical testing. Allele origin: germline.

Labcorp Genetics (formerly Invitae), Labcorp
Classification: Uncertain significance for Isolated microphthalmia 4; Leber congenital amaurosis 17; Klippel-Feil syndrome 1, autosomal dominant; Microphthalmia, isolated, with coloboma 6. Last evaluated: 2025-04-01. Review status: criteria provided, single submitter. Criteria: Invitae Variant Classification Sherloc (09022015). Collection method: clinical testing. Allele origin: germline.
Comment: This sequence change replaces serine, which is neutral and polar, with asparagine, which is neutral and polar, at codon 262 of the GDF6 protein (p.Ser262Asn). The frequency data for this variant in the population databases is considered unreliable, as metrics indicate poor data quality at this position in the gnomAD database. This variant has not been reported in the literature in individuals affected with GDF6-related conditions. ClinVar contains an entry for this variant (Variation ID: 939495). Invitae Evidence Modeling of protein sequence and biophysical properties (such as structural, functional, and spatial information, amino acid conservation, physicochemical variation, residue mobility, and thermodynamic stability) indicates that this missense variant is not expected to disrupt GDF6 protein function with a negative predictive value of 80%. In summary, the available evidence is currently insufficient to determine the role of this variant in disease. Therefore, it has been classified as a Variant of Uncertain Significance.

CeGaT Center for Human Genetics Tuebingen
Classification: Uncertain significance. Last evaluated: 2024-06-01. Review status: criteria provided, single submitter. Criteria: CeGaT Center For Human Genetics Tuebingen Variant Classification Criteria Version 2. Collection method: clinical testing. Allele origin: germline. Affected: yes. Observed: 1 variant allele.

Department of Pathology and Laboratory Medicine, Sinai Health System
Classification: Uncertain significance for Klippel-Feil syndrome 1, autosomal dominant; Isolated microphthalmia 4; Microphthalmia, isolated, with coloboma 6; Leber congenital amaurosis 17; Multiple synostoses syndrome 4. Last evaluated: 2022-04-06. Review status: criteria provided, single submitter. Criteria: ACMG Guidelines, 2015. Collection method: research. Allele origin: germline.

NM_001001557.4(GDF6):c.785G>A (p.Ser262Asn)

Gene: GDF6 (growth differentiation factor 6; minus strand). Cytogenetic location: 8q22.1.
Variant type: single nucleotide variant.
Coding change: c.785G>A on transcript NM_001001557.4 (MANE Select); coding-DNA position 785, G replaced by A.
Protein change: p.Ser262Asn; replaces serine 262 with asparagine.
Molecular consequence: missense variant.
Genome position (GRCh38, 1-based): chr8:96,145,146, C>T on the plus strand (G>A on the coding strand, the complement: GDF6 is on the minus strand). VCF-style: chr8-96145146-C-T. GRCh37 (hg19) VCF-style: chr8-97157374-C-T.
Other names: c.785G>A (NM_001001557.3); short protein forms S262N.
Identifiers: ClinVar variation 939495 (VCV000939495.30), dbSNP rs747899927, ClinGen allele CA4815408.